The following is an entry in ClinVar:

ClinVar aggregate classification (germline): Uncertain significance (1 of 4 stars; one submission).

Submission:

Ambry Genetics
Classification: Uncertain significance. Last evaluated: 2025-12-22. Review status: criteria provided, single submitter. Criteria: Ambry Variant Classification Scheme 2023. Collection method: clinical testing. Allele origin: germline.
Comment: The p.S1597C variant (also known as c.4789A>T), located in coding exon 42 of the KIF1B gene, results from an A to T substitution at nucleotide position 4789. The serine at codon 1597 is replaced by cysteine, an amino acid with dissimilar properties. This amino acid position is conserved. In addition, this alteration is predicted to be tolerated by in silico analysis. Based on the available evidence, the clinical significance of this variant remains unclear.

NM_001365951.3(KIF1B):c.4927A>T (p.Ser1643Cys)

Gene: KIF1B (kinesin family member 1B; plus strand). Cytogenetic location: 1p36.22.
Variant type: single nucleotide variant.
Coding change: c.4927A>T on transcript NM_001365951.3 (MANE Select); coding-DNA position 4927, A replaced by T.
Protein change: p.Ser1643Cys; replaces serine 1643 with cysteine.
Molecular consequence: missense variant.
Genome position (GRCh38, 1-based): chr1:10,371,243, A>T. VCF-style: chr1-10371243-A-T. GRCh37 (hg19) VCF-style: chr1-10431301-A-T.
Other names: c.4927A>T, p.Ser1643Cys (NM_001365952.1); c.4789A>T, p.Ser1597Cys (NM_015074.3); short protein forms S1597C, S1643C.
Identifiers: ClinVar variation 4841879 (VCV004841879.1).